The following is an entry in ClinVar:

NM_005204.4(MAP3K8):c.82G>A (p.Asp28Asn)

Gene: MAP3K8 (mitogen-activated protein kinase kinase kinase 8; plus strand). Cytogenetic location: 10p11.23.
Variant type: single nucleotide variant.
Coding change: c.82G>A on transcript NM_005204.4 (MANE Select); coding-DNA position 82, G replaced by A.
Protein change: p.Asp28Asn; replaces aspartic acid 28 with asparagine.
Molecular consequence: missense variant.
Genome position (GRCh38, 1-based): chr10:30,439,020, G>A. VCF-style: chr10-30439020-G-A. GRCh37 (hg19) VCF-style: chr10-30727949-G-A.
Other names: c.82G>A, p.Asp28Asn (NM_001244134.1, NM_001320961.2); short protein forms D28N.
Identifiers: ClinVar variation 2421464 (VCV002421464.6), dbSNP rs150579938, ClinGen allele CA5459580.
Genomic context (GRCh38, chr10:30,439,020, plus strand): 5'-AGTGACAATAAAGAAGAGATTGATTTATTAATTAAACATTTAAATGTGTCTGATGTAATA[G>A]ACATTATGGAAAATCTTTATGCAAGTGAAGAGCCAGCAGTTTATGAACCCAGTCTAATGA-3'
Protein context (NP_005195.2, residues 18-38): IKHLNVSDVI[Asp28Asn]IMENLYASEE

ClinVar aggregate classification (germline): Uncertain significance (1 of 4 stars; one submission).

Allele frequency attached by ClinVar (database versions not stated): gnomAD 0.00001; gnomAD exomes 0.00001; ExAC 0.00007; ESP Exome Variant Server 0.00008; 1000 Genomes Project 30x 0.00016; 1000 Genomes Project 0.00020.
gnomAD v4.1: 18 of 1,612,964 alleles (0.0011%); highest among the groups gnomAD compares: South Asian, 0.015%; no homozygotes.

Submission:

Labcorp Genetics (formerly Invitae), Labcorp
Classification: Uncertain significance. Last evaluated: 2024-04-08. Review status: criteria provided, single submitter. Criteria: Invitae Variant Classification Sherloc (09022015). Collection method: clinical testing. Allele origin: germline.
Comment: This sequence change replaces aspartic acid, which is acidic and polar, with asparagine, which is neutral and polar, at codon 28 of the MAP3K8 protein (p.Asp28Asn). This variant is present in population databases (rs150579938, gnomAD 0.02%). This variant has not been reported in the literature in individuals affected with MAP3K8-related conditions. ClinVar contains an entry for this variant (Variation ID: 2421464). An algorithm developed to predict the effect of missense changes on protein structure and function (PolyPhen-2) suggests that this variant is likely to be tolerated. In summary, the available evidence is currently insufficient to determine the role of this variant in disease. Therefore, it has been classified as a Variant of Uncertain Significance.